The following is an entry in ClinVar:

ClinVar aggregate classification (germline): Likely pathogenic (1 of 4 stars; one submission).

Conditions:
Dyschromatosis universalis hereditaria 1 (DUH1). Identifiers: MedGen C2675711, MONDO:0024524, OMIM 127500.

Submission:

3billion
Classification: Likely pathogenic for Dyschromatosis universalis hereditaria 1. Last evaluated: 2023-02-23. Review status: criteria provided, single submitter. Criteria: ACMG Guidelines, 2015. Collection method: clinical testing. Allele origin: unknown. Affected: yes.
Comment: The variant is not observed in the gnomAD v2.1.1 dataset. The variant is located in a mutational hot spot and/or well-established functional domain in which established pathogenic variants have been reported. Missense changes are a common disease-causing mechanism. A different missense change at the same codon (p.Thr525Arg) has been reported to be associated with SASH1 related disorder (PMID: 32981204). Therefore, this variant is classified as Likely pathogenic according to the recommendation of ACMG/AMP guideline.

Literature cited by the submitters: PubMed 32981204.

NM_015278.5(SASH1):c.1574C>T (p.Thr525Ile)

Gene: SASH1 (SAM and SH3 domain containing 1; plus strand). Cytogenetic location: 6q25.1.
Variant type: single nucleotide variant.
Coding change: c.1574C>T on transcript NM_015278.5 (MANE Select); coding-DNA position 1574, C replaced by T.
Protein change: p.Thr525Ile; replaces threonine 525 with isoleucine.
Molecular consequence: missense variant.
Genome position (GRCh38, 1-based): chr6:148,532,806, C>T. VCF-style: chr6-148532806-C-T. GRCh37 (hg19) VCF-style: chr6-148853942-C-T.
Other names: c.1439C>T, p.Thr480Ile (NM_001346505.2); c.1202C>T, p.Thr401Ile (NM_001346506.2); c.857C>T, p.Thr286Ile (NM_001346507.2); c.1346C>T, p.Thr449Ile (NM_001346508.2); c.1223C>T, p.Thr408Ile (NM_001346509.2); short protein forms T286I, T401I, T408I, T449I, T480I, T525I.
Identifiers: ClinVar variation 2444026 (VCV002444026.1), dbSNP rs2484380389, ClinGen allele CA365988044.